The following is an entry in ClinVar:

ClinVar aggregate classification (germline): Uncertain significance (1 of 4 stars; one submission).

Conditions:
Hereditary cancer-predisposing syndrome. Also called: Neoplastic Syndromes, Hereditary; Tumor predisposition; Hereditary neoplastic syndrome; Hereditary Cancer Syndrome. Identifiers: Orphanet 140162, MedGen C0027672, MeSH D009386, MONDO:0015356.

Submission:

Ambry Genetics
Classification: Uncertain significance for Hereditary cancer-predisposing syndrome. Last evaluated: 2024-02-01. Review status: criteria provided, single submitter. Criteria: Ambry Variant Classification Scheme 2023. Collection method: clinical testing. Allele origin: germline.
Comment: The p.G250C variant (also known as c.748G>T), located in coding exon 6 of the FH gene, results from a G to T substitution at nucleotide position 748. The glycine at codon 250 is replaced by cysteine, an amino acid with highly dissimilar properties. This amino acid position is conserved. In addition, this alteration is predicted to be deleterious by in silico analysis. Based on the available evidence, the clinical significance of this alteration remains unclear.

NM_000143.4(FH):c.748G>T (p.Gly250Cys)

Gene: FH (fumarate hydratase; minus strand). Cytogenetic location: 1q43.
Variant type: single nucleotide variant.
Coding change: c.748G>T on transcript NM_000143.4 (MANE Select); coding-DNA position 748, G replaced by T.
Protein change: p.Gly250Cys; replaces glycine 250 with cysteine.
Molecular consequence: missense variant.
Genome position (GRCh38, 1-based): chr1:241,506,159, C>A on the plus strand (G>T on the coding strand, the complement: FH is on the minus strand). VCF-style: chr1-241506159-C-A. GRCh37 (hg19) VCF-style: chr1-241669459-C-A.
Other names: short protein forms G250C.
Identifiers: ClinVar variation 3230461 (VCV003230461.1), dbSNP rs2147917765, ClinGen allele CA345439106.